The following is an entry in ClinVar:

NM_006231.4(POLE):c.5179G>T (p.Val1727Leu)

Gene: POLE (DNA polymerase epsilon, catalytic subunit; minus strand). Cytogenetic location: 12q24.33.
Variant type: single nucleotide variant.
Coding change: c.5179G>T on transcript NM_006231.4 (MANE Select); coding-DNA position 5179, G replaced by T.
Protein change: p.Val1727Leu; replaces valine 1727 with leucine.
Molecular consequence: missense variant.
Genome position (GRCh38, 1-based): chr12:132,641,846, C>A on the plus strand (G>T on the coding strand, the complement: POLE is on the minus strand). VCF-style: chr12-132641846-C-A. GRCh37 (hg19) VCF-style: chr12-133218432-C-A.
Other names: c.5179G>T (NM_006231.2); short protein forms V1727L.
Identifiers: ClinVar variation 962180 (VCV000962180.9), dbSNP rs2042151724, ClinGen allele CA387376524.

ClinVar aggregate classification (germline): Conflicting classifications of pathogenicity. Review status: criteria provided, conflicting classifications (1 of 4 stars). 2 submissions from 2 submitters: Uncertain significance (1); Likely benign (1). Last evaluated 2025-10-30.

Conditions:
Hereditary cancer-predisposing syndrome. Also called: Tumor predisposition; Hereditary neoplastic syndrome; Hereditary Cancer Syndrome; Neoplastic Syndromes, Hereditary. Identifiers: Orphanet 140162, MedGen C0027672, MeSH D009386, MONDO:0015356.

Submissions (2):

Labcorp Genetics (formerly Invitae), Labcorp
Classification: Uncertain significance. Last evaluated: 2025-10-30. Review status: criteria provided, single submitter. Criteria: Invitae Variant Classification Sherloc (09022015). Collection method: clinical testing. Allele origin: germline.
Comment: This sequence change replaces valine, which is neutral and non-polar, with leucine, which is neutral and non-polar, at codon 1727 of the POLE protein (p.Val1727Leu). This variant is not present in population databases (gnomAD no frequency). This variant has not been reported in the literature in individuals affected with POLE-related conditions. ClinVar contains an entry for this variant (Variation ID: 962180). Invitae Evidence Modeling of protein sequence and biophysical properties (such as structural, functional, and spatial information, amino acid conservation, physicochemical variation, residue mobility, and thermodynamic stability) indicates that this missense variant is not expected to disrupt POLE protein function with a negative predictive value of 80%. In summary, the available evidence is currently insufficient to determine the role of this variant in disease. Therefore, it has been classified as a Variant of Uncertain Significance.

Ambry Genetics
Classification: Likely benign for Hereditary cancer-predisposing syndrome. Last evaluated: 2025-07-03. Review status: criteria provided, single submitter. Criteria: Ambry Variant Classification Scheme 2023. Collection method: clinical testing. Allele origin: germline.